The following is an entry in ClinVar:

ClinVar aggregate classification (germline): Uncertain significance (1 of 4 stars; one submission).

gnomAD v4.1: 1 of 1,612,304 alleles (0.000062%); highest among the groups gnomAD compares: Admixed American, 0.0017%; no homozygotes.

Submission:

Ambry Genetics
Classification: Uncertain significance. Last evaluated: 2024-06-22. Review status: criteria provided, single submitter. Criteria: Ambry Variant Classification Scheme 2023. Collection method: clinical testing. Allele origin: germline.
Comment: The p.P189S variant (also known as c.565C>T), located in coding exon 1 of the EGLN1 gene, results from a C to T substitution at nucleotide position 565. The proline at codon 189 is replaced by serine, an amino acid with similar properties. This amino acid position is conserved. In addition, this alteration is predicted to be tolerated by in silico analysis. Based on the available evidence, the clinical significance of this variant remains unclear.

NM_022051.3(EGLN1):c.565C>T (p.Pro189Ser)

Gene: EGLN1 (egl-9 family hypoxia inducible factor 1; minus strand). Cytogenetic location: 1q42.2.
Variant type: single nucleotide variant.
Coding change: c.565C>T on transcript NM_022051.3 (MANE Select); coding-DNA position 565, C replaced by T.
Protein change: p.Pro189Ser; replaces proline 189 with serine.
Molecular consequence: missense variant.
Genome position (GRCh38, 1-based): chr1:231,421,324, G>A on the plus strand (C>T on the coding strand, the complement: EGLN1 is on the minus strand). VCF-style: chr1-231421324-G-A. GRCh37 (hg19) VCF-style: chr1-231557070-G-A.
Other names: c.565C>T, p.Pro189Ser (NM_001377260.1, NM_001377261.1); short protein forms P189S.
Identifiers: ClinVar variation 3274804 (VCV003274804.1).